The following is an entry in ClinVar:

ClinVar aggregate classification (germline): Likely benign. Review status: criteria provided, single submitter (1 of 4 stars). 2 submissions from 2 submitters: Likely benign (1). 1 of the submissions does not count toward it. Last evaluated 2025-04-01.

Conditions:
Abnormality of neuronal migration. Identifiers: MedGen C1837249, HP:0002269.

Allele frequency attached by ClinVar (database versions not stated): gnomAD exomes 0.00007; ExAC 0.00013; 1000 Genomes Project 30x 0.00016; 1000 Genomes Project 0.00020; gnomAD 0.00029 and 0.00030; ESP Exome Variant Server 0.00050.
gnomAD v4.1: 128 of 1,587,204 alleles (0.0081%); highest among the groups gnomAD compares: African/African-American, 0.13%; 7 homozygotes.

Submissions (2):

CeGaT Center for Human Genetics Tuebingen
Classification: Likely benign. Last evaluated: 2025-04-01. Review status: criteria provided, single submitter. Criteria: CeGaT Center For Human Genetics Tuebingen Variant Classification Criteria Version 2. Collection method: clinical testing. Allele origin: germline. Affected: yes. Observed: 1 variant allele.
Comment: AHNAK2: BP4

Génétique et pathophysiologie de maladies neurodéveloppementales et épileptogènes, Institut de génétique et de biologie moléculaire et cellulaire
Classification: Benign for Malformation of Cortical Development. Last evaluated: 2014-10-31. Review status: no assertion criteria provided. Collection method: clinical testing. Allele origin: maternal. Affected: yes. Observed: 1 variant allele, 1 compound heterozygote. Not counted in ClinVar's aggregate classification.

NM_138420.4(AHNAK2):c.5025G>C (p.Lys1675Asn)

Gene: AHNAK2 (AHNAK nucleoprotein 2; minus strand). Cytogenetic location: 14q32.33.
Variant type: single nucleotide variant.
Coding change: c.5025G>C on transcript NM_138420.4 (MANE Select); coding-DNA position 5025, G replaced by C.
Protein change: p.Lys1675Asn; replaces lysine 1675 with asparagine.
Molecular consequence: missense variant.
Genome position (GRCh38, 1-based): chr14:104,950,426, C>G on the plus strand (G>C on the coding strand, the complement: AHNAK2 is on the minus strand). VCF-style: chr14-104950426-C-G. GRCh37 (hg19) VCF-style: chr14-105416763-C-G.
Other names: c.4725G>C, p.Lys1575Asn (NM_001350929.2); short protein forms K1675N, K1575N.
Identifiers: ClinVar variation 208974 (VCV000208974.8), dbSNP rs202246282, ClinGen allele CA210163.
Genomic context (GRCh38, chr14:104,950,426, plus strand): 5'-GGGGAGGCTCACATCAGCTTCCACCTTCGGCTCAGACACATCCACCGAGGCCTCGATGGA[C>G]TTGCCTGGGGCCGACACCCCAAATGATGGCATCTTGAACTTGGGCATTTTGAACTTGCTG-3'
Protein context (NP_612429.2, residues 1665-1685): MPSFGVSAPG[Lys1675Asn]SIEASVDVSE